The following is an entry in ClinVar:

NM_001166108.2(PALLD):c.1903A>G (p.Thr635Ala)

Gene: PALLD (palladin, cytoskeletal associated protein; plus strand). Cytogenetic location: 4q32.3.
Variant type: single nucleotide variant.
Coding change: c.1903A>G on transcript NM_001166108.2 (MANE Select); coding-DNA position 1903, A replaced by G.
Protein change: p.Thr635Ala; replaces threonine 635 with alanine.
Molecular consequence: missense variant.
Genome position (GRCh38, 1-based): chr4:168,711,862, A>G. VCF-style: chr4-168711862-A-G. GRCh37 (hg19) VCF-style: chr4-169633013-A-G.
Other names: c.757A>G, p.Thr253Ala (NM_001166109.2); c.1903A>G, p.Thr635Ala (NM_016081.4); short protein forms T635A, T253A.
Identifiers: ClinVar variation 2563422 (VCV002563422.2), dbSNP rs2531857334, ClinGen allele CA358798698.

ClinVar aggregate classification (germline): Uncertain significance (1 of 4 stars; one submission).

Submission:

Ambry Genetics
Classification: Uncertain significance. Last evaluated: 2023-05-19. Review status: criteria provided, single submitter. Criteria: Ambry Variant Classification Scheme 2023. Collection method: clinical testing. Allele origin: germline.
Comment: The p.T635A variant (also known as c.1903A>G), located in coding exon 9 of the PALLD gene, results from an A to G substitution at nucleotide position 1903. The threonine at codon 635 is replaced by alanine, an amino acid with similar properties. This amino acid position is conserved. In addition, this alteration is predicted to be tolerated by in silico analysis. Since supporting evidence is limited at this time, the clinical significance of this alteration remains unclear.